The following is an entry in ClinVar:

ClinVar aggregate classification (germline): Benign. Review status: criteria provided, single submitter (1 of 4 stars). 2 submissions from 2 submitters: Benign (1). 1 of the submissions does not count toward it. Last evaluated 2018-08-17.

Allele frequency attached by ClinVar (database versions not stated): gnomAD 0.04166; 1000 Genomes Project 0.04233; ESP Exome Variant Server 0.04367; 1000 Genomes Project 30x 0.04450; TOPMed 0.04750.
gnomAD v4.1: 12,785 of 1,593,960 alleles (0.8%); highest among the groups gnomAD compares: African/African-American, 15%; 891 homozygotes.

Submissions (2):

GeneDx
Classification: Benign. Last evaluated: 2018-08-17. Review status: criteria provided, single submitter. Criteria: GeneDx Variant Classification Process June 2021. Collection method: clinical testing. Allele origin: germline. Affected: yes.

Genetic Services Laboratory, University of Chicago
Classification: Likely benign for AllHighlyPenetrant. Review status: no assertion criteria provided. Collection method: clinical testing. Allele origin: germline. Inheritance: Autosomal dominant inheritance. Observed: 7 variant alleles. Not counted in ClinVar's aggregate classification.
Comment: Likely benign based on allele frequency in 1000 Genomes Project or ESP global frequency and its presence in a patient with a rare or unrelated disease phenotype. NOT Sanger confirmed.

NM_001374828.1(ARID1B):c.1986+28T>C

Gene: ARID1B (AT-rich interaction domain 1B; plus strand). Cytogenetic location: 6q25.3.
Variant type: single nucleotide variant.
Coding change: c.1986+28T>C on transcript NM_001374828.1 (MANE Select); 28 bases into the intron after coding-DNA position 1986, T replaced by C.
Molecular consequence: intron variant.
Genome position (GRCh38, 1-based): chr6:156,829,449, T>C. VCF-style: chr6-156829449-T-C. GRCh37 (hg19) VCF-style: chr6-157150583-T-C.
Other names: c.1737+28T>C (NM_020732.3); c.1986+28T>C (NM_001371656.1, NM_001374820.1, NM_017519.3).
Identifiers: ClinVar variation 126317 (VCV000126317.9), dbSNP rs73572289, ClinGen allele CA151037.